The following is an entry in ClinVar:

ClinVar aggregate classification (germline): Benign/Likely benign. Review status: criteria provided, multiple submitters, no conflicts (2 of 4 stars). 4 submissions from 4 submitters: Benign (2); Likely benign (1). 1 of the submissions does not count toward it. Last evaluated 2025-12-17.

Conditions:
RNF213-related disorder. Also called: RNF213-related condition.

Allele frequency attached by ClinVar (database versions not stated): gnomAD exomes 0.00070; ExAC 0.00080; gnomAD 0.00234 and 0.00249; TOPMed 0.00284; 1000 Genomes Project 30x 0.00297; 1000 Genomes Project 0.00319; ESP Exome Variant Server 0.00361.

Submissions (4):

Labcorp Genetics (formerly Invitae), Labcorp
Classification: Benign. Last evaluated: 2025-12-17. Review status: criteria provided, single submitter. Criteria: Invitae Variant Classification Sherloc (09022015). Collection method: clinical testing. Allele origin: germline.

Blueprint Genetics
Classification: Likely benign. Last evaluated: 2024-10-02. Review status: criteria provided, single submitter. Criteria: ACMG Guidelines, 2015. Collection method: clinical testing. Allele origin: germline.

Mayo Clinic Laboratories, Mayo Clinic
Classification: Benign. Last evaluated: 2024-02-22. Review status: criteria provided, single submitter. Criteria: ACMG Guidelines, 2015. Collection method: clinical testing. Allele origin: germline. Observed: 2 variant alleles.
Comment: BS1, BS2, BP4, BP7

PreventionGenetics, part of Exact Sciences
Classification: Likely benign for RNF213-related condition. Last evaluated: 2019-09-10. Review status: no assertion criteria provided. Collection method: clinical testing. Allele origin: germline. Not counted in ClinVar's aggregate classification.
Comment: This variant is classified as likely benign based on ACMG/AMP sequence variant interpretation guidelines (Richards et al. 2015 PMID: 25741868, with internal and published modifications).

NM_001256071.3(RNF213):c.11811C>T (p.Thr3937=)

Genes: RNF213 (ring finger protein 213; plus strand), RNF213-AS1 (RNF213 antisense RNA 1; minus strand). Cytogenetic location: 17q25.3.
Variant type: single nucleotide variant.
Coding change: c.11811C>T on transcript NM_001256071.3 (MANE Select); coding-DNA position 11811, C replaced by T.
Protein change: p.Thr3937=; no amino-acid change (threonine 3937 retained).
Molecular consequence: synonymous variant.
Genome position (GRCh38, 1-based): chr17:80,364,493, C>T. VCF-style: chr17-80364493-C-T. GRCh37 (hg19) VCF-style: chr17-78338293-C-T.
Other names: p.Thr3937=.
Identifiers: ClinVar variation 727738 (VCV000727738.14), dbSNP rs140689095, ClinGen allele CA8821965.
Genomic context (GRCh38, chr17:80,364,493, plus strand): 5'-AGCCCAGTGGAGTCGGATTTTCTCCACCGCACTCTTCGTGGAGCACGTGCTCCTAGGAAC[C>T]GAGAGCCGCGTCCCCGAGTTACAGGGGCTGGTGACCGAGCACGTCTTCTTACTAGACAAG-3'
Protein context (NP_001243000.2, residues 3927-3947): ALFVEHVLLG[Thr3937=]ESRVPELQGL